The following is an entry in ClinVar:

NM_025114.4(CEP290):c.6824A>T (p.Tyr2275Phe)

Gene: CEP290 (centrosomal protein 290; minus strand). Cytogenetic location: 12q21.32.
Variant type: single nucleotide variant.
Coding change: c.6824A>T on transcript NM_025114.4 (MANE Select); coding-DNA position 6824, A replaced by T.
Protein change: p.Tyr2275Phe; replaces tyrosine 2275 with phenylalanine.
Molecular consequence: missense variant.
Genome position (GRCh38, 1-based): chr12:88,055,712, T>A on the plus strand (A>T on the coding strand, the complement: CEP290 is on the minus strand). VCF-style: chr12-88055712-T-A. GRCh37 (hg19) VCF-style: chr12-88449489-T-A.
Other names: short protein forms Y2275F.
Identifiers: ClinVar variation 2145990 (VCV002145990.4), dbSNP rs1179874340, ClinGen allele CA385976687.

ClinVar aggregate classification (germline): Uncertain significance (1 of 4 stars; one submission).

Conditions:
Joubert syndrome. Also called: CEREBELLOPARENCHYMAL DISORDER IV; JOUBERT-BOLTSHAUSER SYNDROME; Familial aplasia of the vermis. Identifiers: Orphanet 475, MedGen C5979921, MONDO:0018772.
Nephronophthisis. Also called: Juvenile Nephronophthisis. Identifiers: Orphanet 655, MedGen C0687120, MONDO:0019005, HP:0000090.
Meckel-Gruber syndrome. Also called: DYSENCEPHALIA SPLANCHNOCYSTICA; GRUBER SYNDROME; Dysencephalia splachnocystica. Identifiers: Orphanet 564, MedGen C0265215, MONDO:0018921.

Allele frequency attached by ClinVar (database versions not stated): TOPMed below 0.00001.

Submission:

Labcorp Genetics (formerly Invitae), Labcorp
Classification: Uncertain significance for Joubert syndrome; Meckel-Gruber syndrome; Nephronophthisis. Last evaluated: 2025-04-28. Review status: criteria provided, single submitter. Criteria: Invitae Variant Classification Sherloc (09022015). Collection method: clinical testing. Allele origin: germline.
Comment: This sequence change replaces tyrosine, which is neutral and polar, with phenylalanine, which is neutral and non-polar, at codon 2275 of the CEP290 protein (p.Tyr2275Phe). This variant is not present in population databases (gnomAD no frequency). This variant has not been reported in the literature in individuals affected with CEP290-related conditions. ClinVar contains an entry for this variant (Variation ID: 2145990). An algorithm developed to predict the effect of missense changes on protein structure and function (PolyPhen-2) suggests that this variant is likely to be tolerated. In summary, the available evidence is currently insufficient to determine the role of this variant in disease. Therefore, it has been classified as a Variant of Uncertain Significance.